The following is an entry in ClinVar:

NM_138370.3(PKDCC):c.271G>A (p.Ala91Thr)

Gene: PKDCC (protein kinase domain containing, cytoplasmic; plus strand). Cytogenetic location: 2p21.
Variant type: single nucleotide variant.
Coding change: c.271G>A on transcript NM_138370.3 (MANE Select); coding-DNA position 271, G replaced by A.
Protein change: p.Ala91Thr; replaces alanine 91 with threonine.
Molecular consequence: missense variant.
Genome position (GRCh38, 1-based): chr2:42,048,470, G>A. VCF-style: chr2-42048470-G-A. GRCh37 (hg19) VCF-style: chr2-42275610-G-A.
Other names: short protein forms A91T.
Identifiers: ClinVar variation 1898247 (VCV001898247.3), dbSNP rs1487956241, ClinGen allele CA346622833.

ClinVar aggregate classification (germline): Uncertain significance (1 of 4 stars; one submission).

Allele frequency attached by ClinVar (database versions not stated): gnomAD 0.00001.
gnomAD v4.1: 71 of 1,057,454 alleles (0.0067%); highest among the groups gnomAD compares: Non-Finnish European, 0.0075%; no homozygotes.

Submission:

Labcorp Genetics (formerly Invitae), Labcorp
Classification: Uncertain significance. Last evaluated: 2025-07-30. Review status: criteria provided, single submitter. Criteria: Invitae Variant Classification Sherloc (09022015). Collection method: clinical testing. Allele origin: germline.
Comment: This sequence change replaces alanine, which is neutral and non-polar, with threonine, which is neutral and polar, at codon 91 of the PKDCC protein (p.Ala91Thr). The frequency data for this variant in the population databases is considered unreliable, as metrics indicate insufficient coverage at this position in the gnomAD database. This variant has not been reported in the literature in individuals affected with PKDCC-related conditions. ClinVar contains an entry for this variant (Variation ID: 1898247). An algorithm developed to predict the effect of missense changes on protein structure and function (PolyPhen-2) suggests that this variant is likely to be tolerated. In summary, the available evidence is currently insufficient to determine the role of this variant in disease. Therefore, it has been classified as a Variant of Uncertain Significance.